The following is an entry in ClinVar:

ClinVar aggregate classification (germline): Uncertain significance (1 of 4 stars; one submission).

Conditions:
Cohen syndrome (COH1). Also called: PEPPER SYNDROME; Cutis verticis gyrata, retinitis pigmentosa, and sensorineural deafness. Identifiers: Orphanet 193, MedGen C0265223, MONDO:0008999, OMIM 216550.

Allele frequency attached by ClinVar (database versions not stated): TOPMed below 0.00001; ExAC 0.00001.

Submission:

Labcorp Genetics (formerly Invitae), Labcorp
Classification: Uncertain significance for Cohen syndrome. Last evaluated: 2021-09-20. Review status: criteria provided, single submitter. Criteria: Invitae Variant Classification Sherloc (09022015). Collection method: clinical testing. Allele origin: germline.
Comment: This sequence change replaces isoleucine with methionine at codon 83 of the VPS13B protein (p.Ile83Met). The isoleucine residue is moderately conserved and there is a small physicochemical difference between isoleucine and methionine. This variant is present in population databases (rs765314153, ExAC 0.009%). This variant has not been reported in the literature in individuals affected with VPS13B-related conditions. Algorithms developed to predict the effect of missense changes on protein structure and function are either unavailable or do not agree on the potential impact of this missense change (SIFT: "Not Available"; PolyPhen-2: "Possibly Damaging"; Align-GVGD: "Not Available"). In summary, the available evidence is currently insufficient to determine the role of this variant in disease. Therefore, it has been classified as a Variant of Uncertain Significance.

NM_152564.5(VPS13B):c.249C>G (p.Ile83Met)

Gene: VPS13B (vacuolar protein sorting 13 homolog B; plus strand). Cytogenetic location: 8q22.2.
Variant type: single nucleotide variant.
Coding change: c.249C>G on transcript NM_152564.5 (MANE Select); coding-DNA position 249, C replaced by G.
Protein change: p.Ile83Met; replaces isoleucine 83 with methionine.
Molecular consequence: missense variant. On other transcripts: non-coding transcript variant (1).
Genome position (GRCh38, 1-based): chr8:99,038,524, C>G. VCF-style: chr8-99038524-C-G. GRCh37 (hg19) VCF-style: chr8-100050752-C-G.
Other names: c.249C>G, p.Ile83Met (NM_181661.3, NM_015243.3, NM_017890.5); short protein forms I83M.
Identifiers: ClinVar variation 1398849 (VCV001398849.3), dbSNP rs765314153, ClinGen allele CA4822315.